The following is an entry in ClinVar:

NM_001385641.1(SAMD11):c.1366C>G (p.Pro456Ala)

Gene: SAMD11 (sterile alpha motif domain containing 11; plus strand). Cytogenetic location: 1p36.33.
Variant type: single nucleotide variant.
Coding change: c.1366C>G on transcript NM_001385641.1 (MANE Select); coding-DNA position 1366, C replaced by G.
Protein change: p.Pro456Ala; replaces proline 456 with alanine.
Molecular consequence: missense variant.
Genome position (GRCh38, 1-based): chr1:942,143, C>G. VCF-style: chr1-942143-C-G. GRCh37 (hg19) VCF-style: chr1-877523-C-G.
Other names: c.1369C>G, p.Pro457Ala (NM_001385640.1); c.877C>G, p.Pro293Ala (NM_152486.4); short protein forms P293A, P456A, P457A.
Identifiers: ClinVar variation 861801 (VCV000861801.8), dbSNP rs200195897, ClinGen allele CA502873.

ClinVar aggregate classification (germline): Conflicting classifications of pathogenicity. Review status: criteria provided, conflicting classifications (1 of 4 stars). 2 submissions from 2 submitters: Uncertain significance (1); Likely benign (1). Last evaluated 2024-11-18.

Allele frequency attached by ClinVar (database versions not stated): ESP Exome Variant Server 0.00033; gnomAD exomes 0.00036; 1000 Genomes Project 30x 0.00047; TOPMed 0.00063; ExAC 0.00128.
gnomAD v4.1: 1,134 of 1,361,744 alleles (0.083%); highest among the groups gnomAD compares: Non-Finnish European, 0.11%; 1 homozygote.

Submissions (2):

Labcorp Genetics (formerly Invitae), Labcorp
Classification: Uncertain significance. Last evaluated: 2024-11-18. Review status: criteria provided, single submitter. Criteria: Invitae Variant Classification Sherloc (09022015). Collection method: clinical testing. Allele origin: germline.
Comment: This sequence change replaces proline, which is neutral and non-polar, with alanine, which is neutral and non-polar, at codon 293 of the SAMD11 protein (p.Pro293Ala). This variant is present in population databases (rs200195897, gnomAD 0.07%). This variant has not been reported in the literature in individuals affected with SAMD11-related conditions. ClinVar contains an entry for this variant (Variation ID: 861801). An algorithm developed to predict the effect of missense changes on protein structure and function (PolyPhen-2) suggests that this variant¬†is likely to be tolerated. In summary, the available evidence is currently insufficient to determine the role of this variant in disease. Therefore, it has been classified as a Variant of Uncertain Significance.

Blueprint Genetics
Classification: Likely benign. Last evaluated: 2024-10-21. Review status: criteria provided, single submitter. Criteria: ACMG Guidelines, 2015. Collection method: clinical testing. Allele origin: germline.